The following is an entry in ClinVar:

ClinVar aggregate classification (germline): Uncertain significance (1 of 4 stars; one submission).

Conditions:
Glycogen storage disease type III (GSD3). Also called: FORBES DISEASE; Cori disease. Identifiers: Orphanet 366, MedGen C0017922, MONDO:0009291, OMIM 232400.

Allele frequency attached by ClinVar (database versions not stated): gnomAD exomes below 0.00001.
gnomAD v4.1: 2 of 1,613,816 alleles (0.00012%); highest among the groups gnomAD compares: Non-Finnish European, 0.00017%; no homozygotes.

Submission:

Baylor Genetics
Classification: Uncertain significance for Glycogen storage disease type III. Last evaluated: 2018-12-03. Review status: criteria provided, single submitter. Criteria: ACMG Guidelines, 2015. Collection method: clinical testing. Allele origin: maternal. Affected: yes.
Comment: This variant was determined to be of uncertain significance according to ACMG Guidelines, 2015 [PMID:25741868].

NM_000642.3(AGL):c.2911A>G (p.Ser971Gly)

Gene: AGL (amylo-alpha-1,6-glucosidase and 4-alpha-glucanotransferase; plus strand). Cytogenetic location: 1p21.2.
Variant type: single nucleotide variant.
Coding change: c.2911A>G on transcript NM_000642.3 (MANE Select); coding-DNA position 2911, A replaced by G.
Protein change: p.Ser971Gly; replaces serine 971 with glycine.
Molecular consequence: missense variant.
Genome position (GRCh38, 1-based): chr1:99,891,318, A>G. VCF-style: chr1-99891318-A-G. GRCh37 (hg19) VCF-style: chr1-100356874-A-G.
Other names: c.2911A>G, p.Ser971Gly (NM_000028.3, NM_000643.3, NM_000644.3 and 1 more transcripts); c.2863A>G, p.Ser955Gly (NM_000646.3); c.2890A>G, p.Ser964Gly (NM_001425326.1); c.2710A>G, p.Ser904Gly (NM_001425327.1); c.2707A>G, p.Ser903Gly (NM_001425328.1); c.2572A>G, p.Ser858Gly (NM_001425329.1); c.2533A>G, p.Ser845Gly (NM_001425332.1); short protein forms S955G, S971G, S845G, S858G, S903G, S904G, S964G.
Identifiers: ClinVar variation 1031645 (VCV001031645.1), dbSNP rs1211367569, ClinGen allele CA341325258.